The following is an entry in ClinVar:

ClinVar aggregate classification (germline): Pathogenic (1 of 4 stars; one submission).

Conditions:
Jeune thoracic dystrophy. Also called: Jeune syndrome; Infantile thoracic dystrophy; Thoracic pelvic phalangeal dystrophy; Jeune's syndrome; Chondroectodermal dysplasia-like syndrome; Short-rib thoracic dysplasia. Identifiers: Orphanet 474, MedGen C0265275, MONDO:0018770.

Submission:

Labcorp Genetics (formerly Invitae), Labcorp
Classification: Pathogenic for Jeune thoracic dystrophy. Last evaluated: 2022-12-02. Review status: criteria provided, single submitter. Criteria: Invitae Variant Classification Sherloc (09022015). Collection method: clinical testing. Allele origin: germline.
Comment: This sequence change creates a premature translational stop signal (p.Trp698*) in the IFT80 gene. It is expected to result in an absent or disrupted protein product. Loss-of-function variants in IFT80 are known to be pathogenic (PMID: 21227999, 23339108, 29068549). For these reasons, this variant has been classified as Pathogenic. This variant has not been reported in the literature in individuals affected with IFT80-related conditions. This variant is not present in population databases (gnomAD no frequency).

Literature cited by the submitters: PubMed 21227999; PubMed 23339108; PubMed 29068549.

NM_020800.3(IFT80):c.2094G>A (p.Trp698Ter)

Genes: IFT80 (intraflagellar transport 80; minus strand), TRIM59-IFT80 (TRIM59-IFT80 readthrough (NMD candidate); minus strand). Cytogenetic location: 3q25.33.
Variant type: single nucleotide variant.
Coding change: c.2094G>A on transcript NM_020800.3 (MANE Select); coding-DNA position 2094, G replaced by A.
Protein change: p.Trp698Ter; replaces tryptophan 698 with a stop codon.
Molecular consequence: nonsense. On other transcripts: non-coding transcript variant (3).
Genome position (GRCh38, 1-based): chr3:160,277,311, C>T on the plus strand (G>A on the coding strand, the complement: IFT80 is on the minus strand). VCF-style: chr3-160277311-C-T. GRCh37 (hg19) VCF-style: chr3-159995099-C-T.
Other names: c.1683G>A, p.Trp561Ter (NM_001190241.2, NM_001190242.2); short protein forms W561*, W698*.
Identifiers: ClinVar variation 2813217 (VCV002813217.3), dbSNP rs1273119646, ClinGen allele CA355190121.
Genomic context (GRCh38, chr3:160,277,311, plus strand): 5'-AAAAATACATTAAGGTCAAACAGATTTTGGAACTGATGGAAAGCATTCTTATTACCTTTC[C>T]CAGTTGTAGAGATTAATATTGATCTGGATTGCTTGATAAACAAGGCCAGCCTGAAGAAGT-3'